The following is an entry in ClinVar:

NM_000124.4(ERCC6):c.733A>G (p.Met245Val)

Gene: ERCC6 (ERCC excision repair 6, chromatin remodeling factor; minus strand). Cytogenetic location: 10q11.23.
Variant type: single nucleotide variant.
Coding change: c.733A>G on transcript NM_000124.4 (MANE Select); coding-DNA position 733, A replaced by G.
Protein change: p.Met245Val; replaces methionine 245 with valine.
Molecular consequence: missense variant.
Genome position (GRCh38, 1-based): chr10:49,524,697, T>C on the plus strand (A>G on the coding strand, the complement: ERCC6 is on the minus strand). VCF-style: chr10-49524697-T-C. GRCh37 (hg19) VCF-style: chr10-50732743-T-C.
Other names: c.733A>G, p.Met245Val (NM_001277058.2, NM_001277059.2, NM_001346440.2); short protein forms M245V.
Identifiers: ClinVar variation 2170223 (VCV002170223.1), dbSNP rs748181487, ClinGen allele CA5496450.

ClinVar aggregate classification (germline): Uncertain significance (1 of 4 stars; one submission).

Allele frequency attached by ClinVar (database versions not stated): gnomAD 0.00001; TOPMed 0.00001; ExAC 0.00011.
gnomAD v4.1: 65 of 1,611,468 alleles (0.004%); highest among the groups gnomAD compares: South Asian, 0.065%; no homozygotes.

Submission:

Labcorp Genetics (formerly Invitae), Labcorp
Classification: Uncertain significance. Last evaluated: 2022-03-26. Review status: criteria provided, single submitter. Criteria: Invitae Variant Classification Sherloc (09022015). Collection method: clinical testing. Allele origin: germline.
Comment: This sequence change replaces methionine, which is neutral and non-polar, with valine, which is neutral and non-polar, at codon 245 of the ERCC6 protein (p.Met245Val). This variant is present in population databases (rs748181487, gnomAD 0.06%). This variant has not been reported in the literature in individuals affected with ERCC6-related conditions. Algorithms developed to predict the effect of missense changes on protein structure and function are either unavailable or do not agree on the potential impact of this missense change (SIFT: "Deleterious"; PolyPhen-2: "Probably Damaging"; Align-GVGD: "Class C15"). Algorithms developed to predict the effect of sequence changes on RNA splicing suggest that this variant may create or strengthen a splice site. In summary, the available evidence is currently insufficient to determine the role of this variant in disease. Therefore, it has been classified as a Variant of Uncertain Significance.